The following is an entry in ClinVar:

ClinVar aggregate classification (germline): Pathogenic (1 of 4 stars; one submission).

Conditions:
Fanconi anemia (FA). Also called: Fanconi's anemia. Identifiers: Orphanet 84, MedGen C0015625, MeSH D005199, MONDO:0019391.

Submission:

Natera, Inc.
Classification: Pathogenic for Fanconi anemia. Last evaluated: 2024-07-02. Review status: criteria provided, single submitter. Criteria: Natera Variant Classification Schema (03/2026). Collection method: clinical testing. Allele origin: germline.
Comment: The c.2500del variant in FANCA is a frameshift variant predicted to shift the reading frame and introduce a stop codon. This variant is expected to result in nonsense mediated decay, truncation, or a dysfunctional protein product. This variant is rare in the general population with a frequency below the threshold expected for the associated phenotype(s). This variant has been observed in one or more individuals affected with the associated recessive disease, as either homozygous or compound heterozygous with a second variant (PMID: 34585473). Given the available evidence, this variant is classified as Pathogenic.

Literature cited by the submitters: PubMed 34585473.

NM_000135.4(FANCA):c.2500del (p.Cys833_Leu834insTer)

Gene: FANCA (FA complementation group A; minus strand). Cytogenetic location: 16q24.3.
Variant type: Deletion.
Coding change: c.2500del on transcript NM_000135.4 (MANE Select); coding-DNA position 2500, one base deleted (C; older notation c.2500delC).
Protein change: p.Cys833_Leu834insTer.
Molecular consequence: nonsense.
Genome position (GRCh38, 1-based): chr16:89,769,841, G deleted on the plus strand (C on the coding strand, the reverse complement: FANCA is on the minus strand); the first of 2 consecutive G bases (chr16:89,769,841-89,769,842); deleting either gives the same sequence. VCF-style (leftmost placement, unchanged base first): chr16-89769840-AG-A. GRCh37 (hg19) VCF-style: chr16-89836248-AG-A.
Other names: c.2500del, p.Cys833_Leu834insTer (NM_001286167.3).
Identifiers: ClinVar variation 4817519 (VCV004817519.1).